The following is an entry in ClinVar:

NM_001105206.3(LAMA4):c.1873A>G (p.Asn625Asp)

Gene: LAMA4 (laminin subunit alpha 4; minus strand). Cytogenetic location: 6q21.
Variant type: single nucleotide variant.
Coding change: c.1873A>G on transcript NM_001105206.3 (MANE Select); coding-DNA position 1873, A replaced by G.
Protein change: p.Asn625Asp; replaces asparagine 625 with aspartic acid.
Molecular consequence: missense variant.
Genome position (GRCh38, 1-based): chr6:112,155,651, T>C on the plus strand (A>G on the coding strand, the complement: LAMA4 is on the minus strand). VCF-style: chr6-112155651-T-C. GRCh37 (hg19) VCF-style: chr6-112476853-T-C.
Other names: c.1852A>G, p.Asn618Asp (NM_001105207.3, NM_002290.5); short protein forms N625D, N618D.
Identifiers: ClinVar variation 1781347 (VCV001781347.6), dbSNP rs782556805, ClinGen allele CA3965647.

ClinVar aggregate classification (germline): Conflicting classifications of pathogenicity. Review status: criteria provided, conflicting classifications (1 of 4 stars). 2 submissions from 2 submitters: Uncertain significance (1); Likely benign (1). Last evaluated 2025-07-21.

Conditions:
Cardiovascular phenotype. Identifiers: MedGen CN230736.
Dilated cardiomyopathy 1JJ (CMD1JJ). Identifiers: Orphanet 154, MedGen C3808935, MONDO:0014095, OMIM 615235.

Allele frequency attached by ClinVar (database versions not stated): TOPMed 0.00002; gnomAD exomes 0.00003; ExAC 0.00002.
gnomAD v4.1: 42 of 1,614,126 alleles (0.0026%); highest among the groups gnomAD compares: East Asian, 0.074%; no homozygotes.

Submissions (2):

Ambry Genetics
Classification: Likely benign for Cardiovascular phenotype. Last evaluated: 2025-07-21. Review status: criteria provided, single submitter. Criteria: Ambry Variant Classification Scheme 2023. Collection method: clinical testing. Allele origin: germline.

Labcorp Genetics (formerly Invitae), Labcorp
Classification: Uncertain significance for Dilated cardiomyopathy 1JJ. Last evaluated: 2023-09-06. Review status: criteria provided, single submitter. Criteria: Invitae Variant Classification Sherloc (09022015). Collection method: clinical testing. Allele origin: germline.
Comment: In summary, the available evidence is currently insufficient to determine the role of this variant in disease. Therefore, it has been classified as a Variant of Uncertain Significance. An algorithm developed to predict the effect of missense changes on protein structure and function (PolyPhen-2) suggests that this variant is likely to be disruptive. ClinVar contains an entry for this variant (Variation ID: 1781347). This variant has not been reported in the literature in individuals affected with LAMA4-related conditions. This variant is present in population databases (rs782556805, gnomAD 0.05%), and has an allele count higher than expected for a pathogenic variant. This sequence change replaces asparagine, which is neutral and polar, with aspartic acid, which is acidic and polar, at codon 618 of the LAMA4 protein (p.Asn618Asp).